The following is an entry in ClinVar:

NM_002334.4(LRP4):c.4424C>G (p.Ala1475Gly)

Genes: LRP4 (LDL receptor related protein 4; minus strand), LRP4-AS1 (LRP4 antisense RNA 1; plus strand). Cytogenetic location: 11p11.2.
Variant type: single nucleotide variant.
Coding change: c.4424C>G on transcript NM_002334.4 (MANE Select); coding-DNA position 4424, C replaced by G.
Protein change: p.Ala1475Gly; replaces alanine 1475 with glycine.
Molecular consequence: missense variant. On other transcripts: non-coding transcript variant (1).
Genome position (GRCh38, 1-based): chr11:46,873,399, G>C on the plus strand (C>G on the coding strand, the complement: LRP4 is on the minus strand). VCF-style: chr11-46873399-G-C. GRCh37 (hg19) VCF-style: chr11-46894950-G-C.
Other names: short protein forms A1475G.
Identifiers: ClinVar variation 1060741 (VCV001060741.9), dbSNP rs1314468807, ClinGen allele CA380268635.

ClinVar aggregate classification (germline): Uncertain significance (1 of 4 stars; one submission).

Conditions:
Cenani-Lenz syndactyly syndrome. Also called: SYNDACTYLY, TYPE VII; CENANI SYNDACTYLISM. Identifiers: Orphanet 3258, MedGen C1859309, MONDO:0008931, OMIM 212780.
Congenital myasthenic syndrome 17. Identifiers: Orphanet 590, MedGen C4225377, MONDO:0014578, OMIM 616304.
Sclerosteosis 2 (SOST2). Identifiers: Orphanet 3152, MedGen C3280402, MONDO:0013679, OMIM 614305.

Allele frequency attached by ClinVar (database versions not stated): gnomAD exomes below 0.00001; TOPMed below 0.00001.
gnomAD v4.1: 1 of 1,614,132 alleles (0.000062%); highest among the groups gnomAD compares: Non-Finnish European, 0.000085%; no homozygotes.

Submission:

Labcorp Genetics (formerly Invitae), Labcorp
Classification: Uncertain significance for Cenani-Lenz syndactyly syndrome; Sclerosteosis 2; Congenital myasthenic syndrome 17. Last evaluated: 2024-08-12. Review status: criteria provided, single submitter. Criteria: Invitae Variant Classification Sherloc (09022015). Collection method: clinical testing. Allele origin: germline.
Comment: This sequence change replaces alanine, which is neutral and non-polar, with glycine, which is neutral and non-polar, at codon 1475 of the LRP4 protein (p.Ala1475Gly). This variant is not present in population databases (gnomAD no frequency). This variant has not been reported in the literature in individuals affected with LRP4-related conditions. ClinVar contains an entry for this variant (Variation ID: 1060741). Advanced modeling of protein sequence and biophysical properties (such as structural, functional, and spatial information, amino acid conservation, physicochemical variation, residue mobility, and thermodynamic stability) performed at Invitae indicates that this missense variant is not expected to disrupt LRP4 protein function with a negative predictive value of 80%. In summary, the available evidence is currently insufficient to determine the role of this variant in disease. Therefore, it has been classified as a Variant of Uncertain Significance.